The following is an entry in ClinVar:

NM_000083.3(CLCN1):c.1290C>T (p.Asn430=)

Gene: CLCN1 (chloride voltage-gated channel 1; plus strand). Cytogenetic location: 7q34.
Variant type: single nucleotide variant.
Coding change: c.1290C>T on transcript NM_000083.3 (MANE Select); coding-DNA position 1290, C replaced by T.
Protein change: p.Asn430=; no amino-acid change (asparagine 430 retained).
Molecular consequence: synonymous variant.
Genome position (GRCh38, 1-based): chr7:143,332,762, C>T. VCF-style: chr7-143332762-C-T. GRCh37 (hg19) VCF-style: chr7-143029855-C-T.
Identifiers: ClinVar variation 2673131 (VCV002673131.26), dbSNP rs2487064785, ClinGen allele CA458282310.
Genomic context (GRCh38, chr7:143,332,762, plus strand): 5'-TTTCTGCTTCTTCCTCTCCCAGTTGATGCCCCGCGAAGCCATCAGTACTTTGTTTGACAA[C>T]AATACATGGGTGAAACACGCGGGTGATCCTGAGAGCCTGGGCCAGTCAGCTGTGTGGATT-3'
Protein context (NP_000074.3, residues 420-440): PREAISTLFD[Asn430=]NTWVKHAGDP

ClinVar aggregate classification (germline): Likely benign. Review status: criteria provided, multiple submitters, no conflicts (2 of 4 stars). 2 submissions from 2 submitters: Likely benign (2). Last evaluated 2023-11-01.

Conditions:
Congenital myotonia, autosomal dominant form (THD). Also called: THOMSEN DISEASE; Myotonia congenita autosomal dominant. Identifiers: Orphanet 614, MedGen C2936781, MONDO:0008055, OMIM 160800.
Congenital myotonia, autosomal recessive form. Also called: BECKER DISEASE; Becker Generalized Myotonia; myotonia congenita, autosomal recessive. Identifiers: Orphanet 614, MedGen C0751360, MONDO:0009715, OMIM 255700.

gnomAD v4.1: 18 of 1,614,224 alleles (0.0011%); highest among the groups gnomAD compares: Non-Finnish European, 0.0014%; no homozygotes.

Submissions (2):

CeGaT Center for Human Genetics Tuebingen
Classification: Likely benign. Last evaluated: 2023-11-01. Review status: criteria provided, single submitter. Criteria: CeGaT Center For Human Genetics Tuebingen Variant Classification Criteria Version 2. Collection method: clinical testing. Allele origin: germline. Affected: yes. Observed: 1 variant allele.
Comment: CLCN1: PM2:Supporting, BP4, BP7

Labcorp Genetics (formerly Invitae), Labcorp
Classification: Likely benign for Congenital myotonia, autosomal recessive form; Congenital myotonia, autosomal dominant form. Last evaluated: 2023-10-18. Review status: criteria provided, single submitter. Criteria: Invitae Variant Classification Sherloc (09022015). Collection method: clinical testing. Allele origin: germline.